The following is an entry in ClinVar:

NM_014249.4(NR2E3):c.926G>A (p.Arg309Gln)

Gene: NR2E3 (nuclear receptor subfamily 2 group E member 3; plus strand). Cytogenetic location: 15q23.
Variant type: single nucleotide variant.
Coding change: c.926G>A on transcript NM_014249.4 (MANE Select); coding-DNA position 926, G replaced by A.
Protein change: p.Arg309Gln; replaces arginine 309 with glutamine.
Molecular consequence: missense variant.
Genome position (GRCh38, 1-based): chr15:71,813,567, G>A. VCF-style: chr15-71813567-G-A. GRCh37 (hg19) VCF-style: chr15-72105907-G-A.
Other names: c.926G>A, p.Arg309Gln (NM_016346.4); c.926G>A (NM_014249.3); short protein forms R309Q.
Identifiers: ClinVar variation 1355514 (VCV001355514.7), dbSNP rs761628767, ClinGen allele CA7640435.
Genomic context (GRCh38, chr15:71,813,567, plus strand): 5'-CCCAGGGCCGGCTCACGCTGGCCAGCATGGAGACGCGTGTCCTGCAGGAAACTATCTCTC[G>A]GTTCCGGGCATTGGCGGTGGACCCCACGGAGTTTGCCTGCATGAAGGCCTTGGTCCTCTT-3'
Protein context (NP_055064.1, residues 299-319): ETRVLQETIS[Arg309Gln]FRALAVDPTE

ClinVar aggregate classification (germline): Conflicting classifications of pathogenicity. Review status: criteria provided, conflicting classifications (1 of 4 stars). 4 submissions from 4 submitters: Likely pathogenic (1); Uncertain significance (3). Last evaluated 2025-12-19.

Conditions:
ENHANCED S-CONE SYNDROME 1 (ESCS1). Also called: RETINOSCHISIS WITH EARLY HEMERALOPIA; FAVRE HYALOIDEORETINAL DEGENERATION. Identifiers: MedGen CN380299, OMIM 268100.
NR2E3-related disorder. Also called: NR2E3-related disorders; NR2E3-related condition. Identifiers: MedGen CN239387.

Allele frequency attached by ClinVar (database versions not stated): gnomAD 0.00001; gnomAD exomes 0.00001; TOPMed 0.00001; ExAC 0.00002.
gnomAD v4.1: 21 of 1,613,832 alleles (0.0013%); highest among the groups gnomAD compares: Admixed American, 0.0017%; no homozygotes.

Submissions (4):

Myriad Genetics, Inc.
Classification: Uncertain significance for ENHANCED S-CONE SYNDROME 1. Last evaluated: 2025-12-19. Review status: criteria provided, single submitter. Criteria: Myriad Autosomal Dominant, Autosomal Recessive and X-Linked Classification Criteria (2023). Collection method: clinical testing. Allele origin: unknown.
Comment: NM_014249.2(NR2E3):c.926G>A(R309Q) is a missense variant classified as a variant of uncertain significance in the context of enhanced S-cone syndrome. R309Q has been observed in a case with relevant disease (PMID: 32679203). Relevant functional assessments of this variant are not available in the literature. R309Q has been observed in referenced population frequency databases. In summary, there is insufficient evidence to classify NM_014249.2(NR2E3):c.926G>A(R309Q) as pathogenic or benign. Please note: this variant was assessed in the context of healthy population screening.

Labcorp Genetics (formerly Invitae), Labcorp
Classification: Uncertain significance. Last evaluated: 2025-09-27. Review status: criteria provided, single submitter. Criteria: Invitae Variant Classification Sherloc (09022015). Collection method: clinical testing. Allele origin: germline.
Comment: This sequence change replaces arginine, which is basic and polar, with glutamine, which is neutral and polar, at codon 309 of the NR2E3 protein (p.Arg309Gln). This variant is present in population databases (rs761628767, gnomAD 0.003%). This missense change has been observed in individual(s) with autosomal recessive enhanced S-cone syndrome (PMID: 32679203). ClinVar contains an entry for this variant (Variation ID: 1355514). Invitae Evidence Modeling of protein sequence and biophysical properties (such as structural, functional, and spatial information, amino acid conservation, physicochemical variation, residue mobility, and thermodynamic stability) indicates that this missense variant is not expected to disrupt NR2E3 protein function with a negative predictive value of 80%. This variant disrupts the p.Arg309 amino acid residue in NR2E3. Other variant(s) that disrupt this residue have been determined to be pathogenic (PMID: 10655056, 15459973, 19718767; internal data). This suggests that this residue is clinically significant, and that variants that disrupt this residue are likely to be disease-causing. In summary, the available evidence is currently insufficient to determine the role of this variant in disease. Therefore, it has been classified as a Variant of Uncertain Significance.

PreventionGenetics, part of Exact Sciences
Classification: Uncertain significance for NR2E3-related condition. Last evaluated: 2025-07-28. Review status: criteria provided, single submitter. Criteria: ACMG Guidelines, 2015. Collection method: clinical testing. Allele origin: germline.
Comment: The NR2E3 c.926G>A variant is predicted to result in the amino acid substitution p.Arg309Gln. This variant was reported in the homozygous state in two siblings who presented with enhanced S-cone syndrome (de Carvalho et al. 2021. PubMed ID: 32679203). This variant is reported in 0.0033% of alleles in individuals of South Asian descent in gnomAD. Other amino acid changes at this position (p.Arg309Trp, p.Arg309Gly, and p.Arg309Leu) have been reported in association with NR2E3-related disease (see, for example, Bai et al. 2021. PubMed ID: 33781268; Haider et al. 2000. PubMed ID: 10655056; Patel et al. 2016. PubMed ID: 26355662). At this time, the clinical significance of this variant is uncertain due to the absence of conclusive functional and genetic evidence.

Blueprint Genetics
Classification: Likely pathogenic for NR2E3-related disorders. Last evaluated: 2021-12-02. Review status: criteria provided, single submitter. Criteria: ACMG Guidelines, 2015. Collection method: clinical testing. Allele origin: germline. Affected: yes. Observed: 3 variant alleles.

Literature cited by the submitters: PubMed 32679203 (cited by Myriad Genetics, Inc. and Labcorp Genetics (formerly Invitae), Labcorp); PubMed 10655056 (cited by Labcorp Genetics (formerly Invitae), Labcorp); PubMed 15459973 (cited by Labcorp Genetics (formerly Invitae), Labcorp); PubMed 19718767 (cited by Labcorp Genetics (formerly Invitae), Labcorp).